The following is an entry in ClinVar:

ClinVar aggregate classification (germline): Uncertain significance. Review status: criteria provided, multiple submitters, no conflicts (2 of 4 stars). 2 submissions from 2 submitters: Uncertain significance (2). Last evaluated 2023-09-13.

Conditions:
Cardiovascular phenotype. Identifiers: MedGen CN230736.
Alstrom syndrome (ALMS). Identifiers: Orphanet 64, MedGen C0268425, MONDO:0008763, OMIM 203800.

Allele frequency attached by ClinVar (database versions not stated): gnomAD exomes 0.00001.
gnomAD v4.1: 6 of 1,613,804 alleles (0.00037%); highest among the groups gnomAD compares: Non-Finnish European, 0.00051%; no homozygotes.

Submissions (2):

Ambry Genetics
Classification: Uncertain significance for Cardiovascular phenotype. Last evaluated: 2023-09-13. Review status: criteria provided, single submitter. Criteria: Ambry Variant Classification Scheme 2023. Collection method: clinical testing. Allele origin: germline.
Comment: The p.H1258Y variant (also known as c.3772C>T), located in coding exon 8 of the ALMS1 gene, results from a C to T substitution at nucleotide position 3772. The histidine at codon 1258 is replaced by tyrosine, an amino acid with similar properties. This amino acid position is not well conserved in available vertebrate species. In addition, this alteration is predicted to be tolerated by in silico analysis. Since supporting evidence is limited at this time, the clinical significance of this alteration remains unclear.

Labcorp Genetics (formerly Invitae), Labcorp
Classification: Uncertain significance for Alstrom syndrome. Last evaluated: 2022-01-15. Review status: criteria provided, single submitter. Criteria: Invitae Variant Classification Sherloc (09022015). Collection method: clinical testing. Allele origin: germline.
Comment: This sequence change replaces histidine, which is basic and polar, with tyrosine, which is neutral and polar, at codon 1258 of the ALMS1 protein (p.His1258Tyr). This variant is not present in population databases (gnomAD no frequency). This variant has not been reported in the literature in individuals affected with ALMS1-related conditions. Experimental studies and prediction algorithms are not available or were not evaluated, and the functional significance of this variant is currently unknown. In summary, the available evidence is currently insufficient to determine the role of this variant in disease. Therefore, it has been classified as a Variant of Uncertain Significance.

NM_001378454.1(ALMS1):c.3769C>T (p.His1257Tyr)

Gene: ALMS1 (ALMS1 centrosome and basal body associated protein; plus strand). Cytogenetic location: 2p13.1.
Variant type: single nucleotide variant.
Coding change: c.3769C>T on transcript NM_001378454.1 (MANE Select); coding-DNA position 3769, C replaced by T.
Protein change: p.His1257Tyr; replaces histidine 1257 with tyrosine.
Molecular consequence: missense variant.
Genome position (GRCh38, 1-based): chr2:73,450,296, C>T. VCF-style: chr2-73450296-C-T. GRCh37 (hg19) VCF-style: chr2-73677423-C-T.
Other names: c.3772C>T, p.His1258Tyr (NM_015120.4); short protein forms H1257Y, H1258Y.
Identifiers: ClinVar variation 2194827 (VCV002194827.3), dbSNP rs2466099358, ClinGen allele CA347276595.